The following is an entry in ClinVar:

NM_001146.5(ANGPT1):c.1146G>T (p.Gly382=)

Gene: ANGPT1 (angiopoietin 1; minus strand). Cytogenetic location: 8q23.1.
Variant type: single nucleotide variant.
Coding change: c.1146G>T on transcript NM_001146.5 (MANE Select); coding-DNA position 1146, G replaced by T.
Protein change: p.Gly382=; no amino-acid change (glycine 382 retained).
Molecular consequence: synonymous variant.
Genome position (GRCh38, 1-based): chr8:107,284,741, C>A on the plus strand (G>T on the coding strand, the complement: ANGPT1 is on the minus strand). VCF-style: chr8-107284741-C-A. GRCh37 (hg19) VCF-style: chr8-108296969-C-A.
Other names: c.1143G>T, p.Gly381= (NM_001199859.3); c.546G>T, p.Gly182= (NM_001314051.2); c.1146G>T (NM_001146.4).
Identifiers: ClinVar variation 1631806 (VCV001631806.9), dbSNP rs150101500, ClinGen allele CA4841181.

ClinVar aggregate classification (germline): Likely benign. Review status: criteria provided, multiple submitters, no conflicts (2 of 4 stars). 2 submissions from 2 submitters: Likely benign (2). Last evaluated 2025-12-29.

Conditions:
ANGPT1-related disorder. Also called: ANGPT1-related condition.

Allele frequency attached by ClinVar (database versions not stated): gnomAD 0.00032 and 0.00034; TOPMed 0.00032; ESP Exome Variant Server 0.00085.
gnomAD v4.1: 918 of 1,610,740 alleles (0.057%); highest among the groups gnomAD compares: Non-Finnish European, 0.075%; 1 homozygote.

Submissions (2):

Labcorp Genetics (formerly Invitae), Labcorp
Classification: Likely benign. Last evaluated: 2025-12-29. Review status: criteria provided, single submitter. Criteria: Invitae Variant Classification Sherloc (09022015). Collection method: clinical testing. Allele origin: germline.

PreventionGenetics, part of Exact Sciences
Classification: Likely benign for ANGPT1-related condition. Last evaluated: 2024-11-12. Review status: criteria provided, single submitter. Criteria: ACMG Guidelines, 2015. Collection method: clinical testing. Allele origin: germline.
Comment: This variant is classified as likely benign based on ACMG/AMP sequence variant interpretation guidelines (Richards et al. 2015 PMID: 25741868, with internal and published modifications).